The following is an entry in ClinVar:

ClinVar aggregate classification (germline): Benign. Review status: criteria provided, single submitter (1 of 4 stars). 2 submissions from 2 submitters: Benign (1). 1 of the submissions does not count toward it. Last evaluated 2018-04-26.

Conditions:
GIT1-related disorder. Also called: GIT1-related condition.

Allele frequency attached by ClinVar (database versions not stated): ESP Exome Variant Server 0.00031; 1000 Genomes Project 0.00080; 1000 Genomes Project 30x 0.00094; TOPMed 0.00103; gnomAD exomes 0.00113 and 0.00229; ExAC 0.00214; gnomAD 0.00222 and 0.00232.
gnomAD v4.1: 1,927 of 1,576,608 alleles (0.12%); highest among the groups gnomAD compares: Admixed American, 0.26%; 15 homozygotes.

Submissions (2):

Labcorp Genetics (formerly Invitae), Labcorp
Classification: Benign. Last evaluated: 2018-04-26. Review status: criteria provided, single submitter. Criteria: Invitae Variant Classification Sherloc (09022015). Collection method: clinical testing. Allele origin: germline.

PreventionGenetics, part of Exact Sciences
Classification: Benign for GIT1-related condition. Last evaluated: 2019-08-28. Review status: no assertion criteria provided. Collection method: clinical testing. Allele origin: germline. Not counted in ClinVar's aggregate classification.
Comment: This variant is classified as benign based on ACMG/AMP sequence variant interpretation guidelines (Richards et al. 2015 PMID: 25741868, with internal and published modifications).

NM_014030.4(GIT1):c.405+9G>A

Gene: GIT1 (GIT ArfGAP 1; minus strand). Cytogenetic location: 17q11.2.
Variant type: single nucleotide variant.
Coding change: c.405+9G>A on transcript NM_014030.4 (MANE Select); 9 bases into the intron after coding-DNA position 405, G replaced by A.
Molecular consequence: intron variant.
Genome position (GRCh38, 1-based): chr17:29,582,689, C>T on the plus strand (G>A on the coding strand, the complement: GIT1 is on the minus strand). VCF-style: chr17-29582689-C-T. GRCh37 (hg19) VCF-style: chr17-27909707-C-T.
Other names: c.405+9G>A (NM_001085454.2).
Identifiers: ClinVar variation 717636 (VCV000717636.5), dbSNP rs182492370, ClinGen allele CA8476422.